The following is an entry in ClinVar:

NM_003619.4(PRSS12):c.2116G>T (p.Glu706Ter)

Gene: PRSS12 (serine protease 12; minus strand). Cytogenetic location: 4q26.
Variant type: single nucleotide variant.
Coding change: c.2116G>T on transcript NM_003619.4 (MANE Select); coding-DNA position 2116, G replaced by T.
Protein change: p.Glu706Ter; replaces glutamic acid 706 with a stop codon.
Molecular consequence: nonsense.
Genome position (GRCh38, 1-based): chr4:118,283,035, C>A on the plus strand (G>T on the coding strand, the complement: PRSS12 is on the minus strand). VCF-style: chr4-118283035-C-A. GRCh37 (hg19) VCF-style: chr4-119204190-C-A.
Other names: c.2116G>T (NM_003619.3); short protein forms E706*.
Identifiers: ClinVar variation 2445956 (VCV002445956.1), dbSNP rs199541556, ClinGen allele CA3055439.

ClinVar aggregate classification (germline): Uncertain significance (1 of 4 stars; one submission).

gnomAD v4.1: 90 of 1,614,080 alleles (0.0056%); highest among the groups gnomAD compares: Non-Finnish European, 0.0074%; no homozygotes.

Submission:

Women's Health and Genetics/Laboratory Corporation of America, LabCorp
Classification: Uncertain significance. Last evaluated: 2023-02-24. Review status: criteria provided, single submitter. Criteria: LabCorp Variant Classification Summary - May 2015. Collection method: clinical testing. Allele origin: germline.
Comment: Variant summary: PRSS12 c.2116G>T (p.Glu706X) results in a premature termination codon, predicted to cause a truncation of the encoded protein or absence of the protein due to nonsense mediated decay. The variant allele was found at a frequency of 6.4e-05 in 251492 control chromosomes. To our knowledge, no occurrence of c.2116G>T in individuals affected with Intellectual Disability, Autosomal Recessive 1 and no experimental evidence demonstrating its impact on protein function have been reported. No clinical diagnostic laboratories have submitted clinical-significance assessments for this variant to ClinVar after 2014. Based on the evidence outlined above, the variant was classified as uncertain significance.